The following is an entry in ClinVar:

ClinVar aggregate classification (germline): Conflicting classifications of pathogenicity. Review status: criteria provided, conflicting classifications (1 of 4 stars). 9 submissions from 9 submitters: Pathogenic (2); Likely pathogenic (4); Uncertain significance (1). 2 of the submissions do not count toward it. Last evaluated 2026-06-08.

Conditions:
Autoinflammation with episodic fever and lymphadenopathy. Also called: CLEAVAGE-RESISTANT RIPK1-INDUCED AUTOINFLAMMATORY SYNDROME; CRIA SYNDROME. Identifiers: MedGen C5394286, MONDO:0030018, OMIM 618852.
IL10-related early-onset inflammatory bowel disease. Also called: Immune dysregulation-inflammatory bowel disease-arthritis-recurrent infections syndrome; Autosomal recessive early-onset inflammatory bowel disease. Identifiers: Orphanet 238569, MedGen C4749850, MONDO:0016542.
Inborn error of immunity. Also called: Inborn errors of immunity; Primary immunodeficiency. Identifiers: Orphanet 101997, MedGen C0398686, MONDO:0003778.
Immunodeficiency 57. Also called: IMMUNODEFICIENCY 57 WITH AUTOINFLAMMATION. Identifiers: MedGen C4748212, MONDO:0020849, OMIM 618108.
RIPK1-related disorder. Also called: RIPK1-related condition.

Allele frequency attached by ClinVar (database versions not stated): gnomAD exomes 0.00006; ExAC 0.00007; TOPMed 0.00009; gnomAD 0.00011; 1000 Genomes Project 30x 0.00016; 1000 Genomes Project 0.00020.
gnomAD v4.1: 189 of 1,614,098 alleles (0.012%); highest among the groups gnomAD compares: Non-Finnish European, 0.015%; no homozygotes.

Submissions (9):

Center for Molecular Medicine, Children’s Hospital of Fudan University
Classification: Pathogenic for Immunodeficiency 57. Last evaluated: 2026-06-08. Review status: criteria provided, single submitter. Criteria: ACMG Guidelines, 2015. Collection method: clinical testing. Allele origin: maternal. Affected: yes.

Labcorp Genetics (formerly Invitae), Labcorp
Classification: Uncertain significance. Last evaluated: 2025-08-03. Review status: criteria provided, single submitter. Criteria: Invitae Variant Classification Sherloc (09022015). Collection method: clinical testing. Allele origin: germline.
Comment: This sequence change replaces threonine, which is neutral and polar, with methionine, which is neutral and non-polar, at codon 645 of the RIPK1 protein (p.Thr645Met). This variant is present in population databases (rs116040763, gnomAD 0.01%). This missense change has been observed in individual(s) with clinical features of RIPK1 deficiency (PMID: 30591564, 32181283, 36466854, 36939041). ClinVar contains an entry for this variant (Variation ID: 598788). An algorithm developed to predict the effect of missense changes on protein structure and function (PolyPhen-2) suggests that this variant is likely to be disruptive. Experimental studies have shown that this missense change affects RIPK1 function (PMID: 30591564). In summary, the available evidence is currently insufficient to determine the role of this variant in disease. Therefore, it has been classified as a Variant of Uncertain Significance.

Genomic Medicine Center of Excellence, King Faisal Specialist Hospital and Research Centre
Classification: Likely pathogenic for Autoinflammation with episodic fever and lymphadenopathy. Last evaluated: 2024-03-26. Review status: criteria provided, single submitter. Criteria: ACMG Guidelines, 2015. Collection method: clinical testing. Allele origin: germline.

Blueprint Genetics
Classification: Likely pathogenic for RIPK1-related disorders. Last evaluated: 2024-03-18. Review status: criteria provided, single submitter. Criteria: ACMG Guidelines, 2015. Collection method: clinical testing. Allele origin: germline. Affected: yes. Observed: 5 variant alleles.

Laboratorio de Genetica e Diagnostico Molecular, Hospital Israelita Albert Einstein
Classification: Likely pathogenic for Immunodeficiency 57. Last evaluated: 2022-11-09. Review status: criteria provided, single submitter. Criteria: ACMG Guidelines, 2015. Collection method: clinical testing. Allele origin: germline. Affected: yes. Observed: 1 variant allele.
Comment: ACMG classification criteria: PS3 supporting, PM2 supporting, PM3 strong, PP3 supporting

Baylor Genetics
Classification: Pathogenic for Immunodeficiency 57. Last evaluated: 2019-04-19. Review status: criteria provided, single submitter. Criteria: ACMG Guidelines, 2015. Collection method: clinical testing. Allele origin: unknown. Affected: yes.
Comment: This variant was determined to be pathogenic according to ACMG Guidelines, 2015 [PMID:25741868]. This c.1934C>T (p.T645M) variant has been previously reported in patients from two unrelated families with very early onset inflammatory bowel disease, diarrhea and recurrent infections [PMID 30591564] Functional studies showed that the T645M mutant proteins lead to impaired proinflammatory signaling, increased inflammasome activity and defective cell death response in intestinal epithelial cells [PMID 30591564]

3billion
Classification: Likely pathogenic for Immunodeficiency 57. Review status: criteria provided, single submitter. Criteria: ACMG Guidelines, 2015. Collection method: clinical testing. Allele origin: unknown. Affected: yes. Observed: 1 heterozygote.
Comment: The variant is observed at an extremely low frequency in the gnomAD v2.1.1 dataset (total allele frequency: 0.007%). Functional studies provide moderate evidence of the variant having a damaging effect on the gene or gene product (PMID: 30591564). In silico tool predictions suggest damaging effect of the variant on gene or gene product (REVEL: 0.69; 3Cnet: 0.37). Same nucleotide change resulting in same amino acid change has been previously reported to be associated with RIPK1 related disorder (ClinVar ID: VCV000598788 / PMID: 30591564). Therefore, this variant is classified as Likely pathogenic according to the recommendation of ACMG/AMP guideline.

Gene Friend Way, National Innovation Center
Classification: Likely pathogenic. Last evaluated: 2023-07-28. Review status: no assertion criteria provided. Collection method: clinical testing. Allele origin: unknown. Affected: yes. Observed: 1 variant allele. Not counted in ClinVar's aggregate classification.
Comment: This missense change has been observed in individual(s) with clinical features of RIPK1 deficiency (PMID: 30591564, 32181283). RIPK1 is an important regulator of inflammation and cell death. RIPK1-mediated necroptosis and neuroinflammation (PMID: 30467385), might contribute to the pathogenesis of Autism Spectrum disorder (ASD) (PMID: 31029798, 23147483). Many children with ASD experience diarhea and irritable bowel movement.

Klein lab, Ludwig-Maximilians-University
Classification: Pathogenic for Immune dysregulation-inflammatory bowel disease-arthritis-recurrent infections syndrome; Primary immunodeficiency. Review status: no assertion criteria provided. Collection method: research. Allele origin: germline. Affected: yes. Observed: 2 variant alleles. Not counted in ClinVar's aggregate classification.
Comment: patients suffered from recurrent bacterial and/or viral infections and had episodes of diarrhea and/or colitis

Literature cited by the submitters: PubMed 30591564 (cited by 4 submitters); PubMed 32181283 (cited by Labcorp Genetics (formerly Invitae), Labcorp); PubMed 36466854 (cited by Labcorp Genetics (formerly Invitae), Labcorp); PubMed 36939041 (cited by Labcorp Genetics (formerly Invitae), Labcorp).

NM_001354930.2(RIPK1):c.1934C>T (p.Thr645Met)

Gene: RIPK1 (receptor interacting serine/threonine kinase 1; plus strand). Cytogenetic location: 6p25.2.
Variant type: single nucleotide variant.
Coding change: c.1934C>T on transcript NM_001354930.2 (MANE Select); coding-DNA position 1934, C replaced by T.
Protein change: p.Thr645Met; replaces threonine 645 with methionine.
Molecular consequence: missense variant.
Genome position (GRCh38, 1-based): chr6:3,113,257, C>T. VCF-style: chr6-3113257-C-T. GRCh37 (hg19) VCF-style: chr6-3113491-C-T.
Other names: c.1445C>T, p.Thr482Met (NM_001317061.3, NM_001354932.2, NM_001354933.2 and 1 more transcripts); c.1796C>T, p.Thr599Met (NM_001354931.2); c.1934C>T, p.Thr645Met (NM_003804.6); short protein forms T645M, T482M, T599M.
Identifiers: ClinVar variation 598788 (VCV000598788.14), dbSNP rs116040763, ClinGen allele CA3618539.